The following is an entry in ClinVar:

NM_153638.4(PANK2):c.34C>T (p.His12Tyr)

Genes: PANK2 (pantothenate kinase 2; plus strand), PANK2-AS1 (PANK2 antisense RNA 1; minus strand). Cytogenetic location: 20p13.
Variant type: single nucleotide variant.
Coding change: c.34C>T on transcript NM_153638.4; coding-DNA position 34, C replaced by T.
Protein change: p.His12Tyr; replaces histidine 12 with tyrosine.
Molecular consequence: missense variant. On other transcripts: intron variant (1).
Genome position (GRCh38, 1-based): chr20:3,889,134, C>T. VCF-style: chr20-3889134-C-T. GRCh37 (hg19) VCF-style: chr20-3869781-C-T.
Other names: c.34C>T, p.His12Tyr (NM_001324192.1); c.-246+230C>T (NM_024960.6); short protein forms H12Y.
Identifiers: ClinVar variation 935319 (VCV000935319.15), dbSNP rs374286033, ClinGen allele CA9750457.

ClinVar aggregate classification (germline): Conflicting classifications of pathogenicity. Review status: criteria provided, conflicting classifications (1 of 4 stars). 3 submissions from 3 submitters: Uncertain significance (2); Likely benign (1). Last evaluated 2026-01-14.

Conditions:
Pigmentary pallidal degeneration (NBIA1). Also called: HARP SYNDROME; Pantothenate Kinase-Associated Neurodegeneration; PKAN NEUROAXONAL DYSTROPHY, JUVENILE-ONSET; Neuroaxonal dystrophy, late infantile; Hallervorden-Spatz disease; Neurodegeneration with brain iron accumulation 1. Identifiers: Orphanet 157850, MedGen C0018523, MONDO:0009319, OMIM 234200.
Inborn genetic diseases. Identifiers: MedGen C0950123, MeSH D030342.

Allele frequency attached by ClinVar (database versions not stated): gnomAD exomes 0.00007 and 0.00004; ExAC 0.00016; 1000 Genomes Project 0.00020; gnomAD 0.00037 and 0.00041; TOPMed 0.00042; ESP Exome Variant Server 0.00031; 1000 Genomes Project 30x 0.00016.
gnomAD v4.1: 113 of 1,562,132 alleles (0.0072%); highest among the groups gnomAD compares: African/African-American, 0.14%; 1 homozygote.

Submissions (3):

Labcorp Genetics (formerly Invitae), Labcorp
Classification: Likely benign for Pigmentary pallidal degeneration. Last evaluated: 2026-01-14. Review status: criteria provided, single submitter. Criteria: Invitae Variant Classification Sherloc (09022015). Collection method: clinical testing. Allele origin: germline.

Ambry Genetics
Classification: Uncertain significance for Inborn genetic diseases. Last evaluated: 2025-12-16. Review status: criteria provided, single submitter. Criteria: Ambry Variant Classification Scheme 2023. Collection method: clinical testing. Allele origin: germline.

Women's Health and Genetics/Laboratory Corporation of America, LabCorp
Classification: Uncertain significance. Last evaluated: 2024-02-08. Review status: criteria provided, single submitter. Criteria: LabCorp Variant Classification Summary - May 2015. Collection method: clinical testing. Allele origin: germline.
Comment: Variant summary: PANK2 c.34C>T (p.His12Tyr) results in a conservative amino acid change in the encoded protein sequence. Four of five in-silico tools predict a benign effect of the variant on protein function. The variant allele was found at a frequency of 7e-05 in 170798 control chromosomes (gnomAD). This frequency is not significantly higher than estimated for a pathogenic variant in PANK2 causing Pantothenate Kinase-Associated Neurodegeneration (7e-05 vs 0.0011), allowing no conclusion about variant significance. To our knowledge, no occurrence of c.34C>T in individuals affected with Pantothenate Kinase-Associated Neurodegeneration and no experimental evidence demonstrating its impact on protein function have been reported. ClinVar contains an entry for this variant (Variation ID: 935319). Based on the evidence outlined above, the variant was classified as uncertain significance.